The following is an entry in ClinVar:

NM_005629.4(SLC6A8):c.1418T>C (p.Phe473Ser)

Gene: SLC6A8 (solute carrier family 6 member 8; plus strand). Cytogenetic location: Xq28.
Variant type: single nucleotide variant.
Coding change: c.1418T>C on transcript NM_005629.4 (MANE Select); coding-DNA position 1418, T replaced by C.
Protein change: p.Phe473Ser; replaces phenylalanine 473 with serine.
Molecular consequence: missense variant.
Genome position (GRCh38, 1-based): chrX:153,694,369, T>C. VCF-style: chrX-153694369-T-C. GRCh37 (hg19) VCF-style: chrX-152959824-T-C.
Other names: c.1388T>C, p.Phe463Ser (NM_001142805.2); c.1073T>C, p.Phe358Ser (NM_001142806.1); short protein forms F358S, F463S, F473S.
Identifiers: ClinVar variation 1236188 (VCV001236188.3), dbSNP rs2148364186, ClinGen allele CA415087425.
Genomic context (GRCh38, chrX:153,694,369, plus strand): 5'-TCTGCCATCCTCCCTGACTGGGCTCTGTCCCCCAGGGCGGGATGTACGTCTTCCAGCTGT[T>C]TGACTACTACTCGGCCAGCGGCACCACCCTGCTCTGGCAGGCCTTTTGGGAGTGCGTGGT-3'
Protein context (NP_005620.1, residues 463-483): TDGGMYVFQL[Phe473Ser]DYYSASGTTL

ClinVar aggregate classification (germline): Uncertain significance (1 of 4 stars; one submission).

Conditions:
Creatine transporter deficiency (CCDS1). Also called: Creatine Transporter (CRTR) Deficiency; Mental retardation , X-linked with seizures, short stature and midface hypoplasia; Mental retardation , X-linked, with creatine transport deficiency; X-linked creatine transporter deficiency; X-linked creatine deficiency syndrome; CEREBRAL CREATINE DEFICIENCY SYNDROME 1. Identifiers: Orphanet 52503, MedGen C1845862, MONDO:0010305, OMIM 300352.

Submission:

Center for Human Genetics and Genomic Medicine, Uniklinik Rwth Aachen
Classification: Uncertain significance for Creatine transporter deficiency. Last evaluated: 2021-09-06. Review status: criteria provided, single submitter. Criteria: ACMG Guidelines, 2015. Collection method: clinical testing. Allele origin: maternal. Inheritance: X-linked recessive inheritance. Affected: yes. Observed: 1 hemizygote.
Comment: The change has not yet been reported in the relevant databases (dbSNP151, gnomAD) or in the literature. In bioinformatics, the change is classified as "probably disease causing" (PolyPhen2, mutation button, SIFT, CADDphred 25.7). The variant is currently to be regarded as a "variant of uncertain clinical significance" (ACMG criteria).